The following is an entry in ClinVar:

NM_032608.7(MYO18B):c.3599A>T (p.His1200Leu)

Gene: MYO18B (myosin XVIIIB; plus strand). Cytogenetic location: 22q12.1.
Variant type: single nucleotide variant.
Coding change: c.3599A>T on transcript NM_032608.7 (MANE Select); coding-DNA position 3599, A replaced by T.
Protein change: p.His1200Leu; replaces histidine 1200 with leucine.
Molecular consequence: missense variant.
Genome position (GRCh38, 1-based): chr22:25,847,476, A>T. VCF-style: chr22-25847476-A-T. GRCh37 (hg19) VCF-style: chr22-26243443-A-T.
Other names: c.3602A>T, p.His1201Leu (NM_001318245.2); short protein forms H1201L, H1200L.
Identifiers: ClinVar variation 1423978 (VCV001423978.8), dbSNP rs984226001, ClinGen allele CA411000332.

ClinVar aggregate classification (germline): Uncertain significance (1 of 4 stars; one submission).

Submission:

Labcorp Genetics (formerly Invitae), Labcorp
Classification: Uncertain significance. Last evaluated: 2022-02-19. Review status: criteria provided, single submitter. Criteria: Invitae Variant Classification Sherloc (09022015). Collection method: clinical testing. Allele origin: germline.
Comment: In summary, the available evidence is currently insufficient to determine the role of this variant in disease. Therefore, it has been classified as a Variant of Uncertain Significance. Algorithms developed to predict the effect of missense changes on protein structure and function are either unavailable or do not agree on the potential impact of this missense change (SIFT: "Not Available"; PolyPhen-2: "Probably Damaging"; Align-GVGD: "Not Available"). This variant has not been reported in the literature in individuals affected with MYO18B-related conditions. This variant is not present in population databases (gnomAD no frequency). This sequence change replaces histidine, which is basic and polar, with leucine, which is neutral and non-polar, at codon 1200 of the MYO18B protein (p.His1200Leu).